The following is an entry in ClinVar:

NM_207117.4(SLC25A47):c.861T>C (p.Pro287=)

Gene: SLC25A47 (solute carrier family 25 member 47; plus strand). Cytogenetic location: 14q32.2.
Variant type: single nucleotide variant.
Coding change: c.861T>C on transcript NM_207117.4 (MANE Select); coding-DNA position 861, T replaced by C.
Protein change: p.Pro287=; no amino-acid change (proline 287 retained).
Molecular consequence: synonymous variant.
Genome position (GRCh38, 1-based): chr14:100,329,579, T>C. VCF-style: chr14-100329579-T-C. GRCh37 (hg19) VCF-style: chr14-100795916-T-C.
Other names: c.423T>C, p.Pro141= (NM_001350877.2).
Identifiers: ClinVar variation 2644527 (VCV002644527.24), dbSNP rs138774462, ClinGen allele CA7344942.

ClinVar aggregate classification (germline): Likely benign (1 of 4 stars; one submission).

Allele frequency attached by ClinVar (database versions not stated): gnomAD exomes 0.00005; ExAC 0.00010; gnomAD 0.00011; ESP Exome Variant Server 0.00031.
gnomAD v4.1: 93 of 1,613,576 alleles (0.0058%); highest among the groups gnomAD compares: Non-Finnish European, 0.0058%; no homozygotes.

Submission:

CeGaT Center for Human Genetics Tuebingen
Classification: Likely benign. Last evaluated: 2022-06-01. Review status: criteria provided, single submitter. Criteria: CeGaT Center For Human Genetics Tuebingen Variant Classification Criteria Version 2. Collection method: clinical testing. Allele origin: germline. Affected: yes. Observed: 1 variant allele.
Comment: SLC25A47: BP4, BP7